The following is an entry in ClinVar:

ClinVar aggregate classification (germline): Pathogenic/Likely pathogenic. Review status: criteria provided, multiple submitters, no conflicts (2 of 4 stars). 3 submissions from 3 submitters: Pathogenic (1); Likely pathogenic (2). Last evaluated 2023-08-31.

Conditions:
Cone dystrophy 3 (COD3). Also called: RETINAL CONE DYSTROPHY. Identifiers: Orphanet 1872, MedGen C1865869, MONDO:0011193, OMIM 602093.
GUCA1A-related disorders.
Cone-rod dystrophy. Also called: Cone-rod degeneration; Cone/cone-rod dystrophy. Identifiers: Orphanet 1872, MedGen C4085590, MONDO:0015993, HP:0000548.

Submissions (3):

Institute of Medical Genetics and Applied Genomics, University Hospital Tübingen
Classification: Pathogenic for Cone-rod dystrophy. Last evaluated: 2023-08-31. Review status: criteria provided, single submitter. Criteria: ACMG Guidelines, 2015. Collection method: clinical testing. Allele origin: germline. Inheritance: Autosomal dominant inheritance. Affected: yes.

SIB Swiss Institute of Bioinformatics
Classification: Likely pathogenic for Cone dystrophy 3. Last evaluated: 2020-06-05. Review status: criteria provided, single submitter. Criteria: ACMG Guidelines, 2015. Collection method: curation. Allele origin: unknown.
Comment: This variant is interpreted as likely pathogenic for Cone-rod dystrophy 14, autosomal dominant. The following ACMG Tag(s) were applied: Absent from controls (or at extremely low frequency if recessive) in Exome Sequencing Project, 1000 Genomes Project, or Exome Aggregation Consortium (PM2); Multiple lines of computational evidence support a deleterious effect on the gene or gene product (PP3); Located in a mutational hot spot and/or critical and well-established functional domain (e.g., active site of an enzyme) without benign variation (PM1); Cosegregation with disease in multiple affected family members in a gene definitively known to cause the disease (PP1).

Blueprint Genetics
Classification: Likely pathogenic for GUCA1A-related disorders. Last evaluated: 2018-10-24. Review status: criteria provided, single submitter. Criteria: ACMG Guidelines, 2015. Collection method: clinical testing. Allele origin: germline. Affected: yes. Observed: 1 variant allele.

Literature cited by the submitters: PubMed 24352742 (cited by SIB Swiss Institute of Bioinformatics).

NM_001384910.1(GUCA1A):c.299A>G (p.Asp100Gly)

Genes: GUCA1A (guanylate cyclase activator 1A; plus strand), GUCA1ANB-GUCA1A (GUCA1ANB-GUCA1A readthrough; plus strand), GUCA1B (guanylate cyclase activator 1B; minus strand). Cytogenetic location: 6p21.1.
Variant type: single nucleotide variant.
Coding change: c.299A>G on transcript NM_001384910.1 (MANE Select); coding-DNA position 299, A replaced by G.
Protein change: p.Asp100Gly; replaces aspartic acid 100 with glycine.
Molecular consequence: missense variant.
Genome position (GRCh38, 1-based): chr6:42,178,377, A>G. VCF-style: chr6-42178377-A-G. GRCh37 (hg19) VCF-style: chr6-42146115-A-G.
Other names: c.299A>G, p.Asp100Gly (NM_000409.5, NM_001319061.2, NM_001319062.2); short protein forms D100G.
Identifiers: ClinVar variation 867021 (VCV000867021.4), dbSNP rs1768016995, ClinGen allele CA364109160.
Genomic context (GRCh38, chr6:42,178,377, plus strand): 5'-TCAGCTTGGTCCTCAAGGGGAAGGTGGAACAGAAGCTCCGCTGGTACTTCAAGCTCTATG[A>G]TGTAGATGGCAACGGCTGCATTGACCGCGATGAGCTGCTCACCATCATCCAGGTGCAGAG-3'
Protein context (NP_001371839.1, residues 90-110): QKLRWYFKLY[Asp100Gly]VDGNGCIDRD